The following is an entry in ClinVar:

NM_001018111.3(PODXL):c.596C>T (p.Ala199Val)

Gene: PODXL (podocalyxin like; minus strand). Cytogenetic location: 7q32.3.
Variant type: single nucleotide variant.
Coding change: c.596C>T on transcript NM_001018111.3 (MANE Select); coding-DNA position 596, C replaced by T.
Protein change: p.Ala199Val; replaces alanine 199 with valine.
Molecular consequence: missense variant.
Genome position (GRCh38, 1-based): chr7:131,510,938, G>A on the plus strand (C>T on the coding strand, the complement: PODXL is on the minus strand). VCF-style: chr7-131510938-G-A. GRCh37 (hg19) VCF-style: chr7-131195697-G-A.
Other names: c.596C>T, p.Ala199Val (NM_005397.4); short protein forms A199V.
Identifiers: ClinVar variation 2008768 (VCV002008768.4), dbSNP rs770246998, ClinGen allele CA369301119.

ClinVar aggregate classification (germline): Uncertain significance (1 of 4 stars; one submission).

Submission:

Labcorp Genetics (formerly Invitae), Labcorp
Classification: Uncertain significance. Last evaluated: 2022-08-19. Review status: criteria provided, single submitter. Criteria: Invitae Variant Classification Sherloc (09022015). Collection method: clinical testing. Allele origin: germline.
Comment: In summary, the available evidence is currently insufficient to determine the role of this variant in disease. Therefore, it has been classified as a Variant of Uncertain Significance. Algorithms developed to predict the effect of missense changes on protein structure and function (SIFT, PolyPhen-2, Align-GVGD) all suggest that this variant is likely to be tolerated. This variant has not been reported in the literature in individuals affected with PODXL-related conditions. This variant is not present in population databases (gnomAD no frequency). This sequence change replaces alanine, which is neutral and non-polar, with valine, which is neutral and non-polar, at codon 199 of the PODXL protein (p.Ala199Val).